The following is an entry in ClinVar:

NM_007254.4(PNKP):c.668G>T (p.Gly223Val)

Gene: PNKP (polynucleotide kinase 3'-phosphatase; minus strand). Cytogenetic location: 19q13.33.
Variant type: single nucleotide variant.
Coding change: c.668G>T on transcript NM_007254.4 (MANE Select); coding-DNA position 668, G replaced by T.
Protein change: p.Gly223Val; replaces glycine 223 with valine.
Molecular consequence: missense variant.
Genome position (GRCh38, 1-based): chr19:49,864,040, C>A on the plus strand (G>T on the coding strand, the complement: PNKP is on the minus strand). VCF-style: chr19-49864040-C-A. GRCh37 (hg19) VCF-style: chr19-50367297-C-A.
Other names: p.G223V:GGG>GTG; short protein forms G223V.
Identifiers: ClinVar variation 206390 (VCV000206390.2), dbSNP rs796052851, ClinGen allele CA316460.

ClinVar aggregate classification (germline): Uncertain significance (1 of 4 stars; one submission).

Submission:

GeneDx
Classification: Uncertain significance. Last evaluated: 2013-05-03. Review status: criteria provided, single submitter. Criteria: GeneDx Variant Classification (06012015). Collection method: clinical testing. Allele origin: germline. Affected: yes.
Comment: p.Gly223Val (GGG>GTG): c.668 G>T in exon 7 of the PNKP gene (NM_007254.2) The Gly223Val missense change has not been published as a mutation, nor has it been reported as a benign polymorphism to our knowledge. It was not observed in approximately 6,500 individuals of European and African American ancestry in the NHLBI Exome Sequencing Project, indicating it is not a common benign variant in these populations. The amino acid substitution is conservative as both Glycine and Valine are uncharged, non-polar amino acid residues. Gly223Val alters a position that is not highly conserved in the DNA phosphatase domain of the PNKP protein. However, other missense mutations have not been reported at nearby codons. In addition, while one in-silico algorithm predicts Gly223Val is damaging to the structure/function of the protein, other algorithms predict it is not pathogenic. Therefore, based on the currently available information, it is unclear whether Gly223Val is is a disease-causing mutation or a rare benign variant. The variant is found in EPILEPSY panel(s).